The following is an entry in ClinVar:

ClinVar aggregate classification (germline): Uncertain significance. Review status: criteria provided, multiple submitters, no conflicts (2 of 4 stars). 3 submissions from 3 submitters: Uncertain significance (3). Last evaluated 2025-11-08.

Conditions:
Growth hormone insensitivity syndrome with immune dysregulation. Identifiers: MedGen CN294824, MONDO:0100210.
Inborn genetic diseases. Identifiers: MedGen C0950123, MeSH D030342.
Growth hormone insensitivity with immune dysregulation 1, autosomal recessive. Also called: GROWTH HORMONE INSENSITIVITY SYNDROME WITH IMMUNE DYSREGULATION 1, AUTOSOMAL RECESSIVE; Laron syndrome with immunodeficiency; GROWTH HORMONE INSENSITIVITY DUE TO POSTRECEPTOR DEFECT; LARON SYNDROME DUE TO POSTRECEPTOR DEFECT. Identifiers: Orphanet 220465, MedGen C5435698, MONDO:0100211, OMIM 245590.

Allele frequency attached by ClinVar (database versions not stated): TOPMed below 0.00001; gnomAD 0.00001; gnomAD exomes 0.00002.
gnomAD v4.1: 27 of 1,614,036 alleles (0.0017%); highest among the groups gnomAD compares: Non-Finnish European, 0.0023%; no homozygotes.

Submissions (3):

Ambry Genetics
Classification: Uncertain significance for Inborn genetic diseases. Last evaluated: 2025-11-08. Review status: criteria provided, single submitter. Criteria: Ambry Variant Classification Scheme 2023. Collection method: clinical testing. Allele origin: germline.

Labcorp Genetics (formerly Invitae), Labcorp
Classification: Uncertain significance for Growth hormone insensitivity with immune dysregulation 1, autosomal recessive. Last evaluated: 2025-07-02. Review status: criteria provided, single submitter. Criteria: Invitae Variant Classification Sherloc (09022015). Collection method: clinical testing. Allele origin: germline.
Comment: This sequence change replaces leucine, which is neutral and non-polar, with glutamine, which is neutral and polar, at codon 180 of the STAT5B protein (p.Leu180Gln). This variant is not present in population databases (gnomAD no frequency). This variant has not been reported in the literature in individuals affected with STAT5B-related conditions. ClinVar contains an entry for this variant (Variation ID: 851703). Invitae Evidence Modeling of protein sequence and biophysical properties (such as structural, functional, and spatial information, amino acid conservation, physicochemical variation, residue mobility, and thermodynamic stability) indicates that this missense variant is not expected to disrupt STAT5B protein function with a negative predictive value of 80%. In summary, the available evidence is currently insufficient to determine the role of this variant in disease. Therefore, it has been classified as a Variant of Uncertain Significance.

Clinical Genomics Laboratory, Washington University in St. Louis
Classification: Uncertain significance for Growth hormone insensitivity syndrome with immune dysregulation. Last evaluated: 2023-07-26. Review status: criteria provided, single submitter. Criteria: ACMG Guidelines, 2015. Collection method: clinical testing. Allele origin: germline.
Comment: The STAT5B c.539T>A (p.Leu180Gln) variant, to our knowledge, has not been reported in the medical literature but has been reported in the ClinVar database as a germline variant of uncertain significance by two submitters. This variant is absent from the general population (gnomAD v.2.1.1), indicating it is not a common variant. The amino acid at this position occurs in the coiled-coil domain at the end of one of the coils and the variant replaces the non-polar leucine with a polar glutamine (AlphaFold; Maurer B et al., PMID: 31690038). Additionally, a nearby missense variant, p.Gln177Pro, has been described as occurring de novo in a set of affected twins and the variant abrogated nuclear import, thus acting as a dominant negative (Klammt J et al., PMID: 29844444). However, computational predictors are uncertain as to the impact of this variant on STAT5B function. Due to limited information, and based on ACMG/AMP guidelines for variant interpretation (Richards S et al., PMID: 25741868), the clinical significance of this variant is uncertain at this time.

NM_012448.4(STAT5B):c.539T>A (p.Leu180Gln)

Gene: STAT5B (signal transducer and activator of transcription 5B; minus strand). Cytogenetic location: 17q21.2.
Variant type: single nucleotide variant.
Coding change: c.539T>A on transcript NM_012448.4 (MANE Select); coding-DNA position 539, T replaced by A.
Protein change: p.Leu180Gln; replaces leucine 180 with glutamine.
Molecular consequence: missense variant.
Genome position (GRCh38, 1-based): chr17:42,223,393, A>T on the plus strand (T>A on the coding strand, the complement: STAT5B is on the minus strand). VCF-style: chr17-42223393-A-T. GRCh37 (hg19) VCF-style: chr17-40375411-A-T.
Other names: short protein forms L180Q.
Identifiers: ClinVar variation 851703 (VCV000851703.13), dbSNP rs1031852875, ClinGen allele CA290744774.